The following is an entry in ClinVar:

NM_025137.4(SPG11):c.3619C>T (p.Arg1207Trp)

Gene: SPG11 (SPG11 vesicle trafficking associated, spatacsin; minus strand). Cytogenetic location: 15q21.1.
Variant type: single nucleotide variant.
Coding change: c.3619C>T on transcript NM_025137.4 (MANE Select); coding-DNA position 3619, C replaced by T.
Protein change: p.Arg1207Trp; replaces arginine 1207 with tryptophan.
Molecular consequence: missense variant.
Genome position (GRCh38, 1-based): chr15:44,600,534, G>A on the plus strand (C>T on the coding strand, the complement: SPG11 is on the minus strand). VCF-style: chr15-44600534-G-A. GRCh37 (hg19) VCF-style: chr15-44892732-G-A.
Other names: c.3619C>T, p.Arg1207Trp (NM_001160227.2); short protein forms R1207W.
Identifiers: ClinVar variation 466522 (VCV000466522.7), dbSNP rs199986067, ClinGen allele CA7534889.

ClinVar aggregate classification (germline): Uncertain significance. Review status: criteria provided, multiple submitters, no conflicts (2 of 4 stars). 2 submissions from 2 submitters: Uncertain significance (2). Last evaluated 2022-08-15.

Conditions:
Hereditary spastic paraplegia 11. Also called: SPASTIC PARAPLEGIA, AUTOSOMAL RECESSIVE, COMPLICATED, WITH THIN CORPUS CALLOSUM; SPASTIC PARAPLEGIA, AUTOSOMAL RECESSIVE, WITH MENTAL IMPAIRMENT AND THIN CORPUS CALLOSUM; Nakamura Osame syndrome; Autosomal recessive hereditary spastic paraplegia, mental impairment, and thin corpus callosum; Spastic paraplegia, mental retardation and thin corpus callosum; Spastic Paraplegia 11. Identifiers: Orphanet 2822, MedGen C1858479, MONDO:0011445, OMIM 604360.
Inborn genetic diseases. Identifiers: MedGen C0950123, MeSH D030342.

Allele frequency attached by ClinVar (database versions not stated): gnomAD exomes below 0.00001 and 0.00001; ExAC 0.00001; TOPMed 0.00002.
gnomAD v4.1: 15 of 1,613,942 alleles (0.00093%); highest among the groups gnomAD compares: Admixed American, 0.0033%; no homozygotes.

Submissions (2):

Ambry Genetics
Classification: Uncertain significance for Inborn genetic diseases. Last evaluated: 2022-08-15. Review status: criteria provided, single submitter. Criteria: Ambry Variant Classification Scheme 2023. Collection method: clinical testing. Allele origin: germline.
Comment: The p.R1207W variant (also known as c.3619C>T), located in coding exon 21 of the SPG11 gene, results from a C to T substitution at nucleotide position 3619. The arginine at codon 1207 is replaced by tryptophan, an amino acid with dissimilar properties. This amino acid position is conserved. In addition, this alteration is predicted to be deleterious by in silico analysis. Since supporting evidence is limited at this time, the clinical significance of this alteration remains unclear.

Labcorp Genetics (formerly Invitae), Labcorp
Classification: Uncertain significance for Hereditary spastic paraplegia 11. Last evaluated: 2022-07-06. Review status: criteria provided, single submitter. Criteria: Invitae Variant Classification Sherloc (09022015). Collection method: clinical testing. Allele origin: germline.
Comment: This sequence change replaces arginine, which is basic and polar, with tryptophan, which is neutral and slightly polar, at codon 1207 of the SPG11 protein (p.Arg1207Trp). This variant is present in population databases (rs199986067, gnomAD 0.0009%). This variant has not been reported in the literature in individuals affected with SPG11-related conditions. ClinVar contains an entry for this variant (Variation ID: 466522). Algorithms developed to predict the effect of missense changes on protein structure and function (SIFT, PolyPhen-2, Align-GVGD) all suggest that this variant is likely to be disruptive. In summary, the available evidence is currently insufficient to determine the role of this variant in disease. Therefore, it has been classified as a Variant of Uncertain Significance.